The following is an entry in ClinVar:

NM_024665.7(TBL1XR1):c.1379G>A (p.Gly460Asp)

Gene: TBL1XR1 (TBL1X/Y related 1; minus strand). Cytogenetic location: 3q26.32.
Variant type: single nucleotide variant.
Coding change: c.1379G>A on transcript NM_024665.7 (MANE Select); coding-DNA position 1379, G replaced by A.
Protein change: p.Gly460Asp; replaces glycine 460 with aspartic acid.
Molecular consequence: missense variant.
Genome position (GRCh38, 1-based): chr3:177,033,008, C>T on the plus strand (G>A on the coding strand, the complement: TBL1XR1 is on the minus strand). VCF-style: chr3-177033008-C-T. GRCh37 (hg19) VCF-style: chr3-176750796-C-T.
Other names: c.1379G>A, p.Gly460Asp (NM_001321193.3, NM_001321194.3, NM_001374327.1 and 2 more transcripts); c.1118G>A, p.Gly373Asp (NM_001321195.3, NM_001374330.1); c.1379G>A (NM_024665.4); short protein forms G373D, G460D.
Identifiers: ClinVar variation 3910437 (VCV003910437.2).
Genomic context (GRCh38, chr3:177,033,008, plus strand): 5'-CCATTTAAATAATGAAGACATACCTGCGTGTTCCAGATGTGTACACATTTGTCAAAAGAA[C>T]CACTTGCCAGATACCTGCCATCAGGACTGAAAGCTACACTGTACACAGGCTCTTGGTGTT-3'
Protein context (NP_078941.2, residues 450-470): FSPDGRYLAS[Gly460Asp]SFDKCVHIWN

ClinVar aggregate classification (germline): Pathogenic/Likely pathogenic. Review status: criteria provided, multiple submitters, no conflicts (2 of 4 stars). 2 submissions from 2 submitters: Pathogenic (1); Likely pathogenic (1). Last evaluated 2025-03-12.

Submissions (2):

GeneDx
Classification: Pathogenic. Last evaluated: 2025-03-12. Review status: criteria provided, single submitter. Criteria: GeneDx Variant Classification Process June 2021. Collection method: clinical testing. Allele origin: germline. Affected: yes.
Comment: In silico analysis supports that this missense variant has a deleterious effect on protein structure/function; Not observed at significant frequency in large population cohorts (gnomAD); This variant is associated with the following publications: (PMID: 33527360, 33004838, 32524419)

Laboratory of Genetics, Children's Clinical University Hospital Latvia
Classification: Likely pathogenic. Last evaluated: 2025-02-16. Review status: criteria provided, single submitter. Criteria: ACMG Guidelines, 2015. Collection method: clinical testing. Allele origin: germline. Affected: yes.